The following is an entry in ClinVar:

ClinVar aggregate classification (germline): Uncertain significance (1 of 4 stars; one submission).

Conditions:
Developmental and epileptic encephalopathy, 2 (DEE2). Also called: INFANTILE SPASM SYNDROME, X-LINKED 2; CDKL5 deficiency disorder. Identifiers: Orphanet 1934, Orphanet 3451, Orphanet 505652, MedGen C4750718, MONDO:0010396, OMIM 300672.
Angelman syndrome-like. Identifiers: MedGen CN128785.

Submission:

Labcorp Genetics (formerly Invitae), Labcorp
Classification: Uncertain significance for Developmental and epileptic encephalopathy, 2; Angelman syndrome-like. Last evaluated: 2023-02-18. Review status: criteria provided, single submitter. Criteria: Invitae Variant Classification Sherloc (09022015). Collection method: clinical testing. Allele origin: germline.
Comment: This variant is not present in population databases (gnomAD no frequency). In summary, the available evidence is currently insufficient to determine the role of this variant in disease. Therefore, it has been classified as a Variant of Uncertain Significance. Advanced modeling of protein sequence and biophysical properties (such as structural, functional, and spatial information, amino acid conservation, physicochemical variation, residue mobility, and thermodynamic stability) performed at Invitae indicates that this missense variant is not expected to disrupt CDKL5 protein function. This variant has not been reported in the literature in individuals affected with CDKL5-related conditions. This sequence change replaces serine, which is neutral and polar, with asparagine, which is neutral and polar, at codon 798 of the CDKL5 protein (p.Ser798Asn).

NM_001323289.2(CDKL5):c.2393G>A (p.Ser798Asn)

Gene: CDKL5 (cyclin dependent kinase like 5; plus strand). Cytogenetic location: Xp22.13.
Variant type: single nucleotide variant.
Coding change: c.2393G>A on transcript NM_001323289.2 (MANE Select); coding-DNA position 2393, G replaced by A.
Protein change: p.Ser798Asn; replaces serine 798 with asparagine.
Molecular consequence: missense variant.
Genome position (GRCh38, 1-based): chrX:18,625,144, G>A. VCF-style: chrX-18625144-G-A. GRCh37 (hg19) VCF-style: chrX-18643264-G-A.
Other names: c.2393G>A, p.Ser798Asn (NM_001037343.2, NM_003159.3); short protein forms S798N.
Identifiers: ClinVar variation 2931112 (VCV002931112.3), dbSNP rs2518894968, ClinGen allele CA412365319.